The following is an entry in ClinVar:

ClinVar aggregate classification (germline): Uncertain significance. Review status: criteria provided, multiple submitters, no conflicts (2 of 4 stars). 2 submissions from 2 submitters: Uncertain significance (2). Last evaluated 2022-02-17.

Allele frequency attached by ClinVar (database versions not stated): gnomAD 0.00001; TOPMed 0.00001.
gnomAD v4.1: 15 of 1,614,028 alleles (0.00093%); highest among the groups gnomAD compares: African/African-American, 0.0013%; no homozygotes.

Submissions (2):

Labcorp Genetics (formerly Invitae), Labcorp
Classification: Uncertain significance. Last evaluated: 2022-02-17. Review status: criteria provided, single submitter. Criteria: Invitae Variant Classification Sherloc (09022015). Collection method: clinical testing. Allele origin: germline.
Comment: This sequence change replaces alanine, which is neutral and non-polar, with valine, which is neutral and non-polar, at codon 1144 of the CNGB1 protein (p.Ala1144Val). This variant is present in population databases (rs370962776, gnomAD 0.0009%). This variant has not been reported in the literature in individuals affected with CNGB1-related conditions. ClinVar contains an entry for this variant (Variation ID: 1000221). Advanced modeling of protein sequence and biophysical properties (such as structural, functional, and spatial information, amino acid conservation, physicochemical variation, residue mobility, and thermodynamic stability) performed at Invitae indicates that this missense variant is not expected to disrupt CNGB1 protein function. Algorithms developed to predict the effect of sequence changes on RNA splicing suggest that this variant may create or strengthen a splice site. In summary, the available evidence is currently insufficient to determine the role of this variant in disease. Therefore, it has been classified as a Variant of Uncertain Significance.

Blueprint Genetics
Classification: Uncertain significance. Last evaluated: 2020-12-04. Review status: criteria provided, single submitter. Criteria: ACMG Guidelines, 2015. Collection method: clinical testing. Allele origin: germline.

NM_001297.5(CNGB1):c.3431C>T (p.Ala1144Val)

Gene: CNGB1 (cyclic nucleotide gated channel subunit beta 1; minus strand). Cytogenetic location: 16q21.
Variant type: single nucleotide variant.
Coding change: c.3431C>T on transcript NM_001297.5 (MANE Select); coding-DNA position 3431, C replaced by T.
Protein change: p.Ala1144Val; replaces alanine 1144 with valine.
Molecular consequence: missense variant.
Genome position (GRCh38, 1-based): chr16:57,887,886, G>A on the plus strand (C>T on the coding strand, the complement: CNGB1 is on the minus strand). VCF-style: chr16-57887886-G-A. GRCh37 (hg19) VCF-style: chr16-57921790-G-A.
Other names: c.3413C>T, p.Ala1138Val (NM_001286130.2); short protein forms A1138V, A1144V.
Identifiers: ClinVar variation 1000221 (VCV001000221.7), dbSNP rs370962776, ClinGen allele CA8082565.
Genomic context (GRCh38, chr16:57,887,886, plus strand): 5'-CGTGGTGGCTGGGTTCCCAACCACATTACCTGTTCCACCAACTCTTGCTGCTTTGCAGCC[G>A]CCTCCAGCGCGGCCAGTTCTTTGAGCCGGGCCCGGAGGTGAGCAAGTTTGCCGCCTTTTG-3'
Protein context (NP_001288.3, residues 1134-1154): ARLKELAALE[Ala1144Val]AAKQQELVEQ